The following is an entry in ClinVar:

ClinVar aggregate classification (germline): Conflicting classifications of pathogenicity. Review status: criteria provided, conflicting classifications (1 of 4 stars). 6 submissions from 5 submitters: Uncertain significance (2); Benign (1); Likely benign (3). Last evaluated 2025-10-21.

Conditions:
Hereditary spherocytosis type 1. Also called: Spherocytosis type 1; ANK1-Related Spherocytosis. Identifiers: Orphanet 822, MedGen C2674218, MONDO:0008447, OMIM 182900.
Spherocytosis. Identifiers: MedGen C0553720, HP:0004444.

Allele frequency attached by ClinVar (database versions not stated): 1000 Genomes Project 30x 0.00016; 1000 Genomes Project 0.00020; ESP Exome Variant Server 0.00054; gnomAD 0.00063; TOPMed 0.00066; gnomAD exomes 0.00071 and 0.00093; ExAC 0.00076.
gnomAD v4.1: 1,170 of 1,614,260 alleles (0.072%); highest among the groups gnomAD compares: Middle Eastern, 0.2%; 3 homozygotes.

Submissions (6):

Labcorp Genetics (formerly Invitae), Labcorp
Classification: Benign. Last evaluated: 2025-10-21. Review status: criteria provided, single submitter. Criteria: Invitae Variant Classification Sherloc (09022015). Collection method: clinical testing. Allele origin: germline.

Mayo Clinic Laboratories, Mayo Clinic
Classification: Uncertain significance. Last evaluated: 2024-11-28. Review status: criteria provided, single submitter. Criteria: ACMG Guidelines, 2015. Collection method: clinical testing. Allele origin: germline. Observed: 8 variant alleles.
Comment: BP4

Blueprint Genetics
Classification: Likely benign. Last evaluated: 2024-11-26. Review status: criteria provided, single submitter. Criteria: ACMG Guidelines, 2015. Collection method: clinical testing. Allele origin: germline.

ARUP Laboratories, Molecular Genetics and Genomics, ARUP Laboratories
Classification: Likely benign for Hereditary spherocytosis type 1. Last evaluated: 2024-02-06. Review status: criteria provided, single submitter. Criteria: ARUP Molecular Germline Variant Investigation Process 2024. Collection method: clinical testing. Allele origin: germline.

Illumina Laboratory Services, Illumina
Classification: Likely benign for Hereditary spherocytosis type 1. Last evaluated: 2018-01-12. Review status: criteria provided, single submitter. Criteria: ICSL Variant Classification Criteria 13 December 2019. Collection method: clinical testing. Allele origin: germline.
Comment: This variant was observed in the ICSL laboratory as part of a predisposition screen in an ostensibly healthy population. It had not been previously curated by ICSL or reported in the Human Gene Mutation Database (HGMD: prior to June 1st, 2018), and was therefore a candidate for classification through an automated scoring system. Utilizing variant allele frequency, disease prevalence and penetrance estimates, and inheritance mode, an automated score was calculated to assess if this variant is too frequent to cause the disease. Based on the score and internal cut-off values, a variant classified as likely benign is not then subjected to further curation. The score for this variant resulted in a classification of likely benign for this disease.

Illumina Laboratory Services, Illumina
Classification: Uncertain significance for Spherocytosis. Last evaluated: 2018-01-12. Review status: criteria provided, single submitter. Criteria: ICSL Variant Classification Criteria 13 December 2019. Collection method: clinical testing. Allele origin: germline.

Literature cited by the submitters: PubMed 33074480 (cited by Mayo Clinic Laboratories, Mayo Clinic); PubMed 36161974 (cited by Mayo Clinic Laboratories, Mayo Clinic).

NM_000037.4(ANK1):c.4022C>T (p.Ser1341Leu)

Gene: ANK1 (ankyrin 1; minus strand). Cytogenetic location: 8p11.21.
Variant type: single nucleotide variant.
Coding change: c.4022C>T on transcript NM_000037.4 (MANE Select); coding-DNA position 4022, C replaced by T.
Protein change: p.Ser1341Leu; replaces serine 1341 with leucine.
Molecular consequence: missense variant.
Genome position (GRCh38, 1-based): chr8:41,690,309, G>A on the plus strand (C>T on the coding strand, the complement: ANK1 is on the minus strand). VCF-style: chr8-41690309-G-A. GRCh37 (hg19) VCF-style: chr8-41547827-G-A.
Other names: p.Ser1341Leu; c.4145C>T, p.Ser1382Leu (NM_001142446.2); c.4022C>T, p.Ser1341Leu (NM_020475.3, NM_020476.3, NM_020477.3); short protein forms S1382L, S1341L.
Identifiers: ClinVar variation 718449 (VCV000718449.17), dbSNP rs145562489, ClinGen allele CA4727698.